The following is an entry in ClinVar:

ClinVar aggregate classification (germline): Uncertain significance. Review status: criteria provided, multiple submitters, no conflicts (2 of 4 stars). 2 submissions from 2 submitters: Uncertain significance (2). Last evaluated 2025-08-19.

Conditions:
Familial thoracic aortic aneurysm and aortic dissection (TAAD). Also called: Thoracic aortic aneurysms and dissections. Identifiers: Orphanet 91387, MedGen C4707243, MONDO:0019625.
Aortic aneurysm, familial thoracic 4 (AAT4). Also called: AORTIC ANEURYSM/AORTIC DISSECTION AND PATENT DUCTUS ARTERIOSUS. Identifiers: MedGen C1851504, MONDO:0007568, OMIM 132900.

gnomAD v4.1: 3 of 1,611,954 alleles (0.00019%); highest among the groups gnomAD compares: Non-Finnish European, 0.00025%; no homozygotes.

Submissions (2):

Ambry Genetics
Classification: Uncertain significance for Familial thoracic aortic aneurysm and aortic dissection. Last evaluated: 2025-08-19. Review status: criteria provided, single submitter. Criteria: Ambry Variant Classification Scheme 2023. Collection method: clinical testing. Allele origin: germline.
Comment: The p.Q1245R variant (also known as c.3734A>G), located in coding exon 27 of the MYH11 gene, results from an A to G substitution at nucleotide position 3734. The glutamine at codon 1245 is replaced by arginine, an amino acid with highly similar properties. This amino acid position is conserved. In addition, the in silico prediction for this alteration is inconclusive. Based on the available evidence, the clinical significance of this variant remains unclear.

Labcorp Genetics (formerly Invitae), Labcorp
Classification: Uncertain significance for Aortic aneurysm, familial thoracic 4. Last evaluated: 2024-06-10. Review status: criteria provided, single submitter. Criteria: Invitae Variant Classification Sherloc (09022015). Collection method: clinical testing. Allele origin: germline.
Comment: This sequence change replaces glutamine, which is neutral and polar, with arginine, which is basic and polar, at codon 1252 of the MYH11 protein (p.Gln1252Arg). This variant is not present in population databases (gnomAD no frequency). This variant has not been reported in the literature in individuals affected with MYH11-related conditions. Advanced modeling of protein sequence and biophysical properties (such as structural, functional, and spatial information, amino acid conservation, physicochemical variation, residue mobility, and thermodynamic stability) performed at Invitae indicates that this missense variant is not expected to disrupt MYH11 protein function with a negative predictive value of 95%. In summary, the available evidence is currently insufficient to determine the role of this variant in disease. Therefore, it has been classified as a Variant of Uncertain Significance.

NM_002474.3(MYH11):c.3734A>G (p.Gln1245Arg)

Gene: MYH11 (myosin heavy chain 11; minus strand). Cytogenetic location: 16p13.11.
Variant type: single nucleotide variant.
Coding change: c.3734A>G on transcript NM_002474.3 (MANE Select); coding-DNA position 3734, A replaced by G.
Protein change: p.Gln1245Arg; replaces glutamine 1245 with arginine.
Molecular consequence: missense variant.
Genome position (GRCh38, 1-based): chr16:15,726,972, T>C on the plus strand (A>G on the coding strand, the complement: MYH11 is on the minus strand). VCF-style: chr16-15726972-T-C. GRCh37 (hg19) VCF-style: chr16-15820829-T-C.
Other names: c.3755A>G, p.Gln1252Arg (NM_001040113.2, NM_001040114.2); c.3734A>G, p.Gln1245Arg (NM_022844.3); c.3734A>G (NM_002474.2); short protein forms Q1245R, Q1252R.
Identifiers: ClinVar variation 3612752 (VCV003612752.3).